The following is an entry in ClinVar:

ClinVar aggregate classification (germline): Uncertain significance (1 of 4 stars; one submission).

gnomAD v4.1: 1 of 1,613,968 alleles (0.000062%); highest among the groups gnomAD compares: Non-Finnish European, 0.000085%; no homozygotes.

Submission:

Labcorp Genetics (formerly Invitae), Labcorp
Classification: Uncertain significance. Last evaluated: 2025-05-22. Review status: criteria provided, single submitter. Criteria: Invitae Variant Classification Sherloc (09022015). Collection method: clinical testing. Allele origin: germline.
Comment: This sequence change replaces methionine, which is neutral and non-polar, with isoleucine, which is neutral and non-polar, at codon 530 of the ABCC8 protein (p.Met530Ile). This variant is not present in population databases (gnomAD no frequency). This variant has not been reported in the literature in individuals affected with ABCC8-related conditions. Invitae Evidence Modeling of protein sequence and biophysical properties (such as structural, functional, and spatial information, amino acid conservation, physicochemical variation, residue mobility, and thermodynamic stability) has been performed for this missense variant. However, the output from this modeling did not meet the statistical confidence thresholds required to predict the impact of this variant on ABCC8 protein function. In summary, the available evidence is currently insufficient to determine the role of this variant in disease. Therefore, it has been classified as a Variant of Uncertain Significance.

NM_000352.6(ABCC8):c.1590G>A (p.Met530Ile)

Gene: ABCC8 (ATP binding cassette subfamily C member 8; minus strand). Cytogenetic location: 11p15.1.
Variant type: single nucleotide variant.
Coding change: c.1590G>A on transcript NM_000352.6 (MANE Select); coding-DNA position 1590, G replaced by A.
Protein change: p.Met530Ile; replaces methionine 530 with isoleucine.
Molecular consequence: missense variant. On other transcripts: non-coding transcript variant (1).
Genome position (GRCh38, 1-based): chr11:17,442,760, C>T on the plus strand (G>A on the coding strand, the complement: ABCC8 is on the minus strand). VCF-style: chr11-17442760-C-T. GRCh37 (hg19) VCF-style: chr11-17464307-C-T.
Other names: c.1590G>A, p.Met530Ile (NM_001287174.3, NM_001351295.2); c.1587G>A, p.Met529Ile (NM_001351296.2, NM_001351297.2); short protein forms M529I, M530I.
Identifiers: ClinVar variation 4693081 (VCV004693081.1).